The following is an entry in ClinVar:

NM_000455.5(STK11):c.342G>A (p.Val114=)

Gene: STK11 (serine/threonine kinase 11; plus strand). Cytogenetic location: 19p13.3.
Variant type: single nucleotide variant.
Coding change: c.342G>A on transcript NM_000455.5 (MANE Select); coding-DNA position 342, G replaced by A.
Protein change: p.Val114=; no amino-acid change (valine 114 retained).
Molecular consequence: synonymous variant.
Genome position (GRCh38, 1-based): chr19:1,218,468, G>A. VCF-style: chr19-1218468-G-A. GRCh37 (hg19) VCF-style: chr19-1218467-G-A.
Other names: c.342G>A (NM_000455.4).
Identifiers: ClinVar variation 1604500 (VCV001604500.10), dbSNP rs1441012455, ClinGen allele CA504706561.
Genomic context (GRCh38, chr19:1,218,468, plus strand): 5'-CTGTCCCAGGGAAATTCAACTACTGAGGAGGTTACGGCACAAAAATGTCATCCAGCTGGT[G>A]GATGTGTTATACAACGAAGAGAAGCAGAAAATATATCCTTTCCGGTGTTGGGACCGCGGG-3'
Protein context (NP_000446.1, residues 104-124): RLRHKNVIQL[Val114=]DVLYNEEKQK

ClinVar aggregate classification (germline): Benign/Likely benign. Review status: criteria provided, multiple submitters, no conflicts (2 of 4 stars). 3 submissions from 3 submitters: Benign (1); Likely benign (2). Last evaluated 2025-08-10.

Conditions:
Peutz-Jeghers syndrome (PJS). Also called: Peutz-Jeghers polyposis; Periorificial lentiginosis syndrome; POLYPOSIS, HAMARTOMATOUS INTESTINAL; POLYPS-AND-SPOTS SYNDROME. Identifiers: Orphanet 2869, MedGen C0031269, MeSH D010580, MONDO:0008280, OMIM 175200.
Hereditary cancer-predisposing syndrome. Also called: Hereditary neoplastic syndrome; Hereditary Cancer Syndrome; Neoplastic Syndromes, Hereditary; Tumor predisposition. Identifiers: Orphanet 140162, MedGen C0027672, MeSH D009386, MONDO:0015356.

Allele frequency attached by ClinVar (database versions not stated): gnomAD 0.00001.
gnomAD v4.1: 1 of 1,613,564 alleles (0.000062%); highest among the groups gnomAD compares: Admixed American, 0.0017%; no homozygotes.

Submissions (3):

Ambry Genetics
Classification: Likely benign for Hereditary cancer-predisposing syndrome. Last evaluated: 2025-08-10. Review status: criteria provided, single submitter. Criteria: Ambry Variant Classification Scheme 2023. Collection method: clinical testing. Allele origin: germline.

Myriad Genetics, Inc.
Classification: Benign for Peutz-Jeghers syndrome. Last evaluated: 2025-03-25. Review status: criteria provided, single submitter. Criteria: Myriad Autosomal Dominant, Autosomal Recessive and X-Linked Classification Criteria (2023). Collection method: clinical testing. Allele origin: unknown.
Comment: This variant is considered benign. This variant is a silent/synonymous amino acid change and it is not expected to impact splicing.

Labcorp Genetics (formerly Invitae), Labcorp
Classification: Likely benign for Peutz-Jeghers syndrome. Last evaluated: 2021-10-15. Review status: criteria provided, single submitter. Criteria: Invitae Variant Classification Sherloc (09022015). Collection method: clinical testing. Allele origin: germline.